The following is an entry in ClinVar:

NM_139276.3(STAT3):c.664G>T (p.Ala222Ser)

Genes: STAT3 (signal transducer and activator of transcription 3; minus strand), LOC130060888 (ATAC-STARR-seq lymphoblastoid active region 12197; plus strand). Cytogenetic location: 17q21.2.
Variant type: single nucleotide variant.
Coding change: c.664G>T on transcript NM_139276.3 (MANE Select); coding-DNA position 664, G replaced by T.
Protein change: p.Ala222Ser; replaces alanine 222 with serine.
Molecular consequence: missense variant.
Genome position (GRCh38, 1-based): chr17:42,337,568, C>A on the plus strand (G>T on the coding strand, the complement: STAT3 is on the minus strand). VCF-style: chr17-42337568-C-A. GRCh37 (hg19) VCF-style: chr17-40489586-C-A.
Other names: c.664G>T, p.Ala222Ser (NM_001369512.1, NM_001369513.1, NM_001369514.1 and 15 more transcripts); c.586G>T, p.Ala196Ser (NM_001384985.1); c.568G>T, p.Ala190Ser (NM_001384989.1); short protein forms A222S, A196S, A190S.
Identifiers: ClinVar variation 4055988 (VCV004055988.1).

ClinVar aggregate classification (germline): Uncertain significance (1 of 4 stars; one submission).

Submission:

GeneDx
Classification: Uncertain significance. Last evaluated: 2025-01-01. Review status: criteria provided, single submitter. Criteria: GeneDx Variant Classification Process June 2021. Collection method: clinical testing. Allele origin: germline. Affected: yes.
Comment: Not observed at significant frequency in large population cohorts (gnomAD); In silico analysis indicates that this missense variant does not alter protein structure/function; Has not been previously published as pathogenic or benign to our knowledge; This variant is associated with the following publications: (PMID: 17676033, 18602572)